The following is an entry in ClinVar:

ClinVar aggregate classification (germline): Uncertain significance. Review status: criteria provided, multiple submitters, no conflicts (2 of 4 stars). 3 submissions from 3 submitters: Uncertain significance (3). Last evaluated 2026-01-12.

Submissions (3):

Women's Health and Genetics/Laboratory Corporation of America, LabCorp
Classification: Uncertain significance. Last evaluated: 2026-01-12. Review status: criteria provided, single submitter. Criteria: LabCorp Variant Classification Summary - May 2015. Collection method: clinical testing. Allele origin: germline.
Comment: Variant summary: TWNK c.794G>A (p.Arg265His) results in a non-conservative amino acid change in the encoded protein sequence. Algorithms developed to predict the effect of missense changes on protein structure and function all suggest that this variant is likely to be disruptive. The variant was absent in 251446 control chromosomes. The available data on variant occurrences in the general population are insufficient to allow any conclusion about variant significance. c.794G>A has been observed in an individual affected with Perrault Syndrome (Duan_2019, Wang_2024). These report(s) do not provide unequivocal conclusions about association of the variant with Perrault Syndrome 5. To our knowledge, no experimental evidence demonstrating an impact on protein function has been reported. The following publications have been ascertained in the context of this evaluation (PMID: 31055809, 38295749). ClinVar contains an entry for this variant (Variation ID: 2418962). Based on the evidence outlined above, the variant was classified as uncertain significance.

GeneDx
Classification: Uncertain significance. Last evaluated: 2025-01-09. Review status: criteria provided, single submitter. Criteria: GeneDx Variant Classification Process June 2021. Collection method: clinical testing. Allele origin: germline. Affected: yes.
Comment: Not observed at significant frequency in large population cohorts (gnomAD); In silico analysis indicates that this missense variant does not alter protein structure/function; This variant is associated with the following publications: (PMID: 38295749, 31055809)

Labcorp Genetics (formerly Invitae), Labcorp
Classification: Uncertain significance. Last evaluated: 2022-11-02. Review status: criteria provided, single submitter. Criteria: Invitae Variant Classification Sherloc (09022015). Collection method: clinical testing. Allele origin: germline.
Comment: This sequence change replaces arginine, which is basic and polar, with histidine, which is basic and polar, at codon 265 of the TWNK protein (p.Arg265His). This variant is not present in population databases (gnomAD no frequency). This missense change has been observed in individual(s) with Perrault syndrome (PMID: 31055809). Algorithms developed to predict the effect of missense changes on protein structure and function (SIFT, PolyPhen-2, Align-GVGD) all suggest that this variant is likely to be tolerated. This variant disrupts the p.Arg265 amino acid residue in TWNK. Other variant(s) that disrupt this residue have been observed in individuals with TWNK-related conditions (PMID: 27650058), which suggests that this may be a clinically significant amino acid residue. In summary, the available evidence is currently insufficient to determine the role of this variant in disease. Therefore, it has been classified as a Variant of Uncertain Significance.

Literature cited by the submitters: PubMed 31055809 (cited by Women's Health and Genetics/Laboratory Corporation of America, LabCorp and Labcorp Genetics (formerly Invitae), Labcorp); PubMed 38295749 (cited by Women's Health and Genetics/Laboratory Corporation of America, LabCorp); PubMed 27650058 (cited by Labcorp Genetics (formerly Invitae), Labcorp).

NM_021830.5(TWNK):c.794G>A (p.Arg265His)

Gene: TWNK (twinkle mtDNA helicase; plus strand). Cytogenetic location: 10q24.31.
Variant type: single nucleotide variant.
Coding change: c.794G>A on transcript NM_021830.5 (MANE Select); coding-DNA position 794, G replaced by A.
Protein change: p.Arg265His; replaces arginine 265 with histidine.
Molecular consequence: missense variant. On other transcripts: non-coding transcript variant (4), intron variant (3).
Genome position (GRCh38, 1-based): chr10:100,989,004, G>A. VCF-style: chr10-100989004-G-A. GRCh37 (hg19) VCF-style: chr10-102748761-G-A.
Other names: c.794G>A (NM_021830.4); c.794G>A, p.Arg265His (NM_001163812.2); c.-119-640G>A (NM_001163814.2, NM_001163813.2); c.-57-702G>A (NM_001368275.1); short protein forms R265H.
Identifiers: ClinVar variation 2418962 (VCV002418962.7), dbSNP rs1590018693, ClinGen allele CA378208493.